The following is an entry in ClinVar:

ClinVar aggregate classification (germline): Uncertain significance (1 of 4 stars; one submission).

Submission:

GeneDx
Classification: Uncertain significance. Last evaluated: 2023-02-06. Review status: criteria provided, single submitter. Criteria: GeneDx Variant Classification Process June 2021. Collection method: clinical testing. Allele origin: germline. Affected: yes.
Comment: Not observed at significant frequency in large population cohorts (gnomAD); In silico analysis supports that this missense variant has a deleterious effect on protein structure/function; Has not been previously published as pathogenic or benign to our knowledge

NM_012062.5(DNM1L):c.1940T>C (p.Ile647Thr)

Gene: DNM1L (dynamin 1 like; plus strand). Cytogenetic location: 12p11.21.
Variant type: single nucleotide variant.
Coding change: c.1940T>C on transcript NM_012062.5 (MANE Select); coding-DNA position 1940, T replaced by C.
Protein change: p.Ile647Thr; replaces isoleucine 647 with threonine.
Molecular consequence: missense variant.
Genome position (GRCh38, 1-based): chr12:32,740,464, T>C. VCF-style: chr12-32740464-T-C. GRCh37 (hg19) VCF-style: chr12-32893398-T-C.
Other names: c.1829T>C, p.Ile610Thr (NM_005690.5); c.1862T>C, p.Ile621Thr (NM_012063.4); c.1907T>C, p.Ile636Thr (NM_001278463.2); c.1979T>C, p.Ile660Thr (NM_001278464.2); c.1946T>C, p.Ile649Thr (NM_001278465.2); c.1331T>C, p.Ile444Thr (NM_001278466.2); c.1868T>C, p.Ile623Thr (NM_001330380.2); short protein forms I444T, I610T, I621T, I623T, I636T, I647T, I649T, I660T.
Identifiers: ClinVar variation 2574929 (VCV002574929.1), dbSNP rs2541123873, ClinGen allele CA384364133.
Genomic context (GRCh38, chr12:32,740,464, plus strand): 5'-TTTAGCCAGTTCCTGTTGCACGAAAACTATCTGCTCGGGAACAGCGAGATTGTGAGGTTA[T>C]TGAACGACTCATTAAATCATATTTTCTCATTGTCAGAAAGAATATTCAAGACAGGTTAGT-3'
Protein context (NP_036192.2, residues 637-657): SAREQRDCEV[Ile647Thr]ERLIKSYFLI